The following is an entry in ClinVar:

ClinVar aggregate classification (germline): Uncertain significance. Review status: criteria provided, multiple submitters, no conflicts (2 of 4 stars). 2 submissions from 2 submitters: Uncertain significance (2). Last evaluated 2026-08-05.

Conditions:
Inborn genetic diseases. Identifiers: MedGen C0950123, MeSH D030342.

Allele frequency attached by ClinVar (database versions not stated): TOPMed 0.00001.
gnomAD v4.1: 1 of 1,613,842 alleles (0.000062%); highest among the groups gnomAD compares: Non-Finnish European, 0.000085%; no homozygotes.

Submissions (2):

Ambry Genetics
Classification: Uncertain significance for Inborn genetic diseases. Last evaluated: 2026-08-05. Review status: criteria provided, single submitter. Criteria: Ambry Variant Classification Scheme 2023. Collection method: clinical testing. Allele origin: germline.

Labcorp Genetics (formerly Invitae), Labcorp
Classification: Uncertain significance. Last evaluated: 2024-05-08. Review status: criteria provided, single submitter. Criteria: Invitae Variant Classification Sherloc (09022015). Collection method: clinical testing. Allele origin: germline.
Comment: This sequence change replaces methionine, which is neutral and non-polar, with threonine, which is neutral and polar, at codon 587 of the SLC12A2 protein (p.Met587Thr). This variant is not present in population databases (gnomAD no frequency). This variant has not been reported in the literature in individuals affected with SLC12A2-related conditions. Advanced modeling of protein sequence and biophysical properties (such as structural, functional, and spatial information, amino acid conservation, physicochemical variation, residue mobility, and thermodynamic stability) performed at Invitae indicates that this missense variant is not expected to disrupt SLC12A2 protein function with a negative predictive value of 80%. In summary, the available evidence is currently insufficient to determine the role of this variant in disease. Therefore, it has been classified as a Variant of Uncertain Significance.

NM_001046.3(SLC12A2):c.1760T>C (p.Met587Thr)

Gene: SLC12A2 (solute carrier family 12 member 2; plus strand). Cytogenetic location: 5q23.3.
Variant type: single nucleotide variant.
Coding change: c.1760T>C on transcript NM_001046.3 (MANE Select); coding-DNA position 1760, T replaced by C.
Protein change: p.Met587Thr; replaces methionine 587 with threonine.
Molecular consequence: missense variant. On other transcripts: non-coding transcript variant (1).
Genome position (GRCh38, 1-based): chr5:128,141,968, T>C. VCF-style: chr5-128141968-T-C. GRCh37 (hg19) VCF-style: chr5-127477660-T-C.
Other names: c.1760T>C, p.Met587Thr (NM_001256461.2); c.1760T>C (NM_001046.2); short protein forms M587T.
Identifiers: ClinVar variation 2895596 (VCV002895596.4), dbSNP rs1762380088, ClinGen allele CA360745583.